The following is an entry in ClinVar:

ClinVar aggregate classification (germline): Benign/Likely benign. Review status: criteria provided, multiple submitters, no conflicts (2 of 4 stars). 5 submissions from 5 submitters: Benign (1); Likely benign (4). Last evaluated 2026-02-04.

Conditions:
Isolated cryptophthalmia. Also called: ANKYLOBLEPHARON, SIMPLE; Cryptophthalmos, unilateral or bilateral, isolated. Identifiers: Orphanet 91396, MedGen C1852453, MONDO:0007410, OMIM 123570.
Fraser syndrome 2 (FRASRS2). Identifiers: MedGen C4540036, MONDO:0054738, OMIM 617666.

Allele frequency attached by ClinVar (database versions not stated): 1000 Genomes Project 30x 0.00078; TOPMed 0.00093; gnomAD 0.00096 and 0.00101; 1000 Genomes Project 0.00100; ESP Exome Variant Server 0.00131; ExAC 0.00170; gnomAD exomes 0.00177 and 0.00201.
gnomAD v4.1: 3,076 of 1,613,698 alleles (0.19%); highest among the groups gnomAD compares: South Asian, 0.4%; 9 homozygotes.

Submissions (5):

Labcorp Genetics (formerly Invitae), Labcorp
Classification: Benign. Last evaluated: 2026-02-04. Review status: criteria provided, single submitter. Criteria: Invitae Variant Classification Sherloc (09022015). Collection method: clinical testing. Allele origin: germline.

Mayo Clinic Laboratories, Mayo Clinic
Classification: Likely benign. Last evaluated: 2025-06-24. Review status: criteria provided, single submitter. Criteria: ACMG Guidelines, 2015. Collection method: clinical testing. Allele origin: germline. Observed: 2 variant alleles.
Comment: BS1, BP4, BP7

Blueprint Genetics
Classification: Likely benign. Last evaluated: 2024-11-15. Review status: criteria provided, single submitter. Criteria: ACMG Guidelines, 2015. Collection method: clinical testing. Allele origin: germline.

Fulgent Genetics
Classification: Likely benign for Isolated cryptophthalmia; Fraser syndrome 2. Last evaluated: 2021-08-26. Review status: criteria provided, single submitter. Criteria: ACMG Guidelines, 2015. Collection method: clinical testing. Allele origin: unknown.

Illumina Laboratory Services, Illumina
Classification: Likely benign for Fraser syndrome 2. Last evaluated: 2018-01-13. Review status: criteria provided, single submitter. Criteria: ICSL Variant Classification Criteria 13 December 2019. Collection method: clinical testing. Allele origin: germline.
Comment: This variant was observed in the ICSL laboratory as part of a predisposition screen in an ostensibly healthy population. It had not been previously curated by ICSL or reported in the Human Gene Mutation Database (HGMD: prior to June 1st, 2018), and was therefore a candidate for classification through an automated scoring system. Utilizing variant allele frequency, disease prevalence and penetrance estimates, and inheritance mode, an automated score was calculated to assess if this variant is too frequent to cause the disease. Based on the score and internal cut-off values, a variant classified as likely benign is not then subjected to further curation. The score for this variant resulted in a classification of likely benign for this disease.

NM_207361.6(FREM2):c.5109C>T (p.Ala1703=)

Gene: FREM2 (FRAS1 related extracellular matrix 2; plus strand). Cytogenetic location: 13q13.3.
Variant type: single nucleotide variant.
Coding change: c.5109C>T on transcript NM_207361.6 (MANE Select); coding-DNA position 5109, C replaced by T.
Protein change: p.Ala1703=; no amino-acid change (alanine 1703 retained).
Molecular consequence: synonymous variant.
Genome position (GRCh38, 1-based): chr13:38,692,453, C>T. VCF-style: chr13-38692453-C-T. GRCh37 (hg19) VCF-style: chr13-39266590-C-T.
Other names: p.Ala1703=.
Identifiers: ClinVar variation 702098 (VCV000702098.16), dbSNP rs11619157, ClinGen allele CA6955141.